The following is an entry in ClinVar:

ClinVar aggregate classification (germline): Uncertain significance (1 of 4 stars; one submission).

Conditions:
Nephronophthisis. Also called: Juvenile Nephronophthisis. Identifiers: Orphanet 655, MedGen C0687120, MONDO:0019005, HP:0000090.

Submission:

Labcorp Genetics (formerly Invitae), Labcorp
Classification: Uncertain significance for Nephronophthisis. Last evaluated: 2022-03-18. Review status: criteria provided, single submitter. Criteria: Invitae Variant Classification Sherloc (09022015). Collection method: clinical testing. Allele origin: germline.
Comment: In summary, the available evidence is currently insufficient to determine the role of this variant in disease. Therefore, it has been classified as a Variant of Uncertain Significance. Algorithms developed to predict the effect of missense changes on protein structure and function are either unavailable or do not agree on the potential impact of this missense change (SIFT: "Deleterious"; PolyPhen-2: "Probably Damaging"; Align-GVGD: "Class C0"). This variant has not been reported in the literature in individuals affected with NPHP3-related conditions. This variant is not present in population databases (gnomAD no frequency). This sequence change replaces glutamic acid, which is acidic and polar, with glycine, which is neutral and non-polar, at codon 116 of the NPHP3 protein (p.Glu116Gly).

NM_153240.5(NPHP3):c.347A>G (p.Glu116Gly)

Genes: NPHP3 (nephrocystin 3; minus strand), NPHP3-ACAD11 (NPHP3-ACAD11 readthrough (NMD candidate); minus strand), NPHP3-AS1 (NPHP3 antisense RNA 1; plus strand). Cytogenetic location: 3q22.1.
Variant type: single nucleotide variant.
Coding change: c.347A>G on transcript NM_153240.5 (MANE Select); coding-DNA position 347, A replaced by G.
Protein change: p.Glu116Gly; replaces glutamic acid 116 with glycine.
Molecular consequence: missense variant. On other transcripts: non-coding transcript variant (3).
Genome position (GRCh38, 1-based): chr3:132,722,009, T>C on the plus strand (A>G on the coding strand, the complement: NPHP3 is on the minus strand). VCF-style: chr3-132722009-T-C. GRCh37 (hg19) VCF-style: chr3-132440853-T-C.
Other names: short protein forms E116G.
Identifiers: ClinVar variation 1480307 (VCV001480307.6), dbSNP rs2108007537, ClinGen allele CA354588879.